The following is an entry in ClinVar:

NM_005188.4(CBL):c.972C>G (p.Leu324=)

Gene: CBL (Cbl proto-oncogene; plus strand). Cytogenetic location: 11q23.3.
Variant type: single nucleotide variant.
Coding change: c.972C>G on transcript NM_005188.4 (MANE Select); coding-DNA position 972, C replaced by G.
Protein change: p.Leu324=; no amino-acid change (leucine 324 retained).
Molecular consequence: synonymous variant.
Genome position (GRCh38, 1-based): chr11:119,276,099, C>G. VCF-style: chr11-119276099-C-G. GRCh37 (hg19) VCF-style: chr11-119146809-C-G.
Identifiers: ClinVar variation 4999385 (VCV004999385.1).
Genomic context (GRCh38, chr11:119,276,099, plus strand): 5'-TATTGGGTATGTTACTGCTGATGGGAACATTCTCCAGACAATCCCTCACAATAAACCTCT[C>G]TTCCAAGCACTGATTGATGGCTTCAGGGAAGGCTTGTGAGTACCTACTGCATACCATCTG-3'
Protein context (NP_005179.2, residues 314-334): ILQTIPHNKP[Leu324=]FQALIDGFRE

ClinVar aggregate classification (germline): Likely benign (1 of 4 stars; one submission).

Conditions:
CBL-related disorder. Also called: NOONAN SYNDROME-LIKE DISORDER WITHOUT JUVENILE MYELOMONOCYTIC LEUKEMIA; CBL MUTATION-ASSOCIATED SYNDROME; CBL SYNDROME. Identifiers: Orphanet 363972, MedGen C3150803, MONDO:0013308, OMIM 613563.

Submission:

PreventionGenetics, part of Exact Sciences
Classification: Likely benign for CBL-related condition. Last evaluated: 2024-10-11. Review status: criteria provided, single submitter. Criteria: ACMG Guidelines, 2015. Collection method: clinical testing. Allele origin: germline.
Comment: This variant is classified as likely benign based on ACMG/AMP sequence variant interpretation guidelines (Richards et al. 2015 PMID: 25741868, with internal and published modifications).